The following is an entry in ClinVar:

NM_001193313.2(SUGCT):c.172G>A (p.Ala58Thr)

Gene: SUGCT (succinyl-CoA:glutarate-CoA transferase; plus strand). Cytogenetic location: 7p14.1.
Variant type: single nucleotide variant.
Coding change: c.172G>A on transcript NM_001193313.2 (MANE Select); coding-DNA position 172, G replaced by A.
Protein change: p.Ala58Thr; replaces alanine 58 with threonine.
Molecular consequence: missense variant.
Genome position (GRCh38, 1-based): chr7:40,181,974, G>A. VCF-style: chr7-40181974-G-A. GRCh37 (hg19) VCF-style: chr7-40221573-G-A.
Other names: c.172G>A, p.Ala58Thr (NM_001193311.2, NM_001193312.2, NM_024728.3); short protein forms A58T.
Identifiers: ClinVar variation 2104847 (VCV002104847.1), dbSNP rs2484565697, ClinGen allele CA367311036.

ClinVar aggregate classification (germline): Uncertain significance (1 of 4 stars; one submission).

Allele frequency attached by ClinVar (database versions not stated): gnomAD exomes below 0.00001.
gnomAD v4.1: 1 of 1,598,196 alleles (0.000063%); highest among the groups gnomAD compares: Non-Finnish European, 0.000085%; no homozygotes.

Submission:

Labcorp Genetics (formerly Invitae), Labcorp
Classification: Uncertain significance. Last evaluated: 2022-02-28. Review status: criteria provided, single submitter. Criteria: Invitae Variant Classification Sherloc (09022015). Collection method: clinical testing. Allele origin: germline.
Comment: This sequence change replaces alanine, which is neutral and non-polar, with threonine, which is neutral and polar, at codon 65 of the SUGCT protein (p.Ala65Thr). This variant is not present in population databases (gnomAD no frequency). This variant has not been reported in the literature in individuals affected with SUGCT-related conditions. Algorithms developed to predict the effect of missense changes on protein structure and function are either unavailable or do not agree on the potential impact of this missense change (SIFT: "Tolerated"; PolyPhen-2: "Not Available"; Align-GVGD: "Class C0"). In summary, the available evidence is currently insufficient to determine the role of this variant in disease. Therefore, it has been classified as a Variant of Uncertain Significance.